The following is an entry in ClinVar:

ClinVar aggregate classification (germline): Uncertain significance (1 of 4 stars; one submission).

Conditions:
Evans syndrome, immunodeficiency, and premature immunosenescence associated with tripeptidyl-peptidase II deficiency. Identifiers: MedGen CN231723. Disease mechanism: loss of function.

Submission:

Labcorp Genetics (formerly Invitae), Labcorp
Classification: Uncertain significance for Evans syndrome, immunodeficiency, and premature immunosenescence associated with tripeptidyl-peptidase II deficiency. Last evaluated: 2020-03-31. Review status: criteria provided, single submitter. Criteria: Invitae Variant Classification Sherloc (09022015). Collection method: clinical testing. Allele origin: germline.
Comment: This variant is not present in population databases (ExAC no frequency). This sequence change replaces proline with alanine at codon 52 of the TPP2 protein (p.Pro52Ala). The proline residue is moderately conserved and there is a small physicochemical difference between proline and alanine. This variant has not been reported in the literature in individuals with TPP2-related conditions. In summary, the available evidence is currently insufficient to determine the role of this variant in disease. Therefore, it has been classified as a Variant of Uncertain Significance. Algorithms developed to predict the effect of missense changes on protein structure and function (SIFT, PolyPhen-2, Align-GVGD) all suggest that this variant is likely to be tolerated, but these predictions have not been confirmed by published functional studies and their clinical significance is uncertain.

NM_001330588.2(TPP2):c.154C>G (p.Pro52Ala)

Gene: TPP2 (tripeptidyl peptidase 2; plus strand). Cytogenetic location: 13q33.1.
Variant type: single nucleotide variant.
Coding change: c.154C>G on transcript NM_001330588.2 (MANE Select); coding-DNA position 154, C replaced by G.
Protein change: p.Pro52Ala; replaces proline 52 with alanine.
Molecular consequence: missense variant. On other transcripts: non-coding transcript variant (1).
Genome position (GRCh38, 1-based): chr13:102,597,192, C>G. VCF-style: chr13-102597192-C-G. GRCh37 (hg19) VCF-style: chr13-103249542-C-G.
Other names: c.154C>G, p.Pro52Ala (NM_001367947.1, NM_003291.4); short protein forms P52A.
Identifiers: ClinVar variation 1012116 (VCV001012116.8), dbSNP rs1879017018, ClinGen allele CA388676748.